The following is an entry in ClinVar:

ClinVar aggregate classification (germline): Conflicting classifications of pathogenicity. Review status: criteria provided, conflicting classifications (1 of 4 stars). 3 submissions from 3 submitters: Uncertain significance (2); Likely benign (1). Last evaluated 2024-03-01.

Conditions:
Pierson syndrome. Also called: MICROCORIA-CONGENITAL NEPHROTIC SYNDROME. Identifiers: Orphanet 2670, MedGen C1836876, MONDO:0012184, OMIM 609049.
LAMB2-related infantile-onset nephrotic syndrome. Also called: NEPHROTIC SYNDROME, TYPE 5, WITHOUT OCULAR ABNORMALITIES; NEPHROTIC SYNDROME, TYPE 5, WITH OCULAR ABNORMALITIES; Nephrotic Syndrome, type 5. Identifiers: Orphanet 306507, MedGen C3280113, MONDO:0013621, OMIM 614199.
Inborn genetic diseases. Identifiers: MedGen C0950123, MeSH D030342.

Allele frequency attached by ClinVar (database versions not stated): gnomAD 0.00011; TOPMed 0.00015; ExAC 0.00022.
gnomAD v4.1: 97 of 1,612,870 alleles (0.006%); highest among the groups gnomAD compares: Admixed American, 0.063%; 1 homozygote.

Submissions (3):

Fulgent Genetics
Classification: Likely benign for Pierson syndrome; LAMB2-related infantile-onset nephrotic syndrome. Last evaluated: 2024-03-01. Review status: criteria provided, single submitter. Criteria: ACMG Guidelines, 2015. Collection method: clinical testing. Allele origin: germline.

Labcorp Genetics (formerly Invitae), Labcorp
Classification: Uncertain significance for LAMB2-related infantile-onset nephrotic syndrome; Pierson syndrome. Last evaluated: 2022-09-13. Review status: criteria provided, single submitter. Criteria: Invitae Variant Classification Sherloc (09022015). Collection method: clinical testing. Allele origin: germline.
Comment: This sequence change replaces arginine, which is basic and polar, with tryptophan, which is neutral and slightly polar, at codon 1482 of the LAMB2 protein (p.Arg1482Trp). This variant is present in population databases (rs755963903, gnomAD 0.09%), including at least one homozygous and/or hemizygous individual. This variant has not been reported in the literature in individuals affected with LAMB2-related conditions. ClinVar contains an entry for this variant (Variation ID: 662766). Algorithms developed to predict the effect of missense changes on protein structure and function are either unavailable or do not agree on the potential impact of this missense change (SIFT: "Tolerated"; PolyPhen-2: "Possibly Damaging"; Align-GVGD: "Class C0"). In summary, the available evidence is currently insufficient to determine the role of this variant in disease. Therefore, it has been classified as a Variant of Uncertain Significance.

Ambry Genetics
Classification: Uncertain significance for Inborn genetic diseases. Last evaluated: 2022-07-06. Review status: criteria provided, single submitter. Criteria: Ambry Variant Classification Scheme 2023. Collection method: clinical testing. Allele origin: germline.

NM_002292.4(LAMB2):c.4444C>T (p.Arg1482Trp)

Gene: LAMB2 (laminin subunit beta 2; minus strand). Cytogenetic location: 3p21.31.
Variant type: single nucleotide variant.
Coding change: c.4444C>T on transcript NM_002292.4 (MANE Select); coding-DNA position 4444, C replaced by T.
Protein change: p.Arg1482Trp; replaces arginine 1482 with tryptophan.
Molecular consequence: missense variant.
Genome position (GRCh38, 1-based): chr3:49,122,833, G>A on the plus strand (C>T on the coding strand, the complement: LAMB2 is on the minus strand). VCF-style: chr3-49122833-G-A. GRCh37 (hg19) VCF-style: chr3-49160266-G-A.
Other names: short protein forms R1482W.
Identifiers: ClinVar variation 662766 (VCV000662766.5), dbSNP rs755963903, ClinGen allele CA2393787.
Genomic context (GRCh38, chr3:49,122,833, plus strand): 5'-TGGAAGCATTAGCCTTGTCCAGGGCTGCCTGGGCCCGCTGCTGTGCCTCGCTTGCCTGCC[G>A]ACGAGTCTCAGCCACTCTGCTGAGGATGCTACCACCTTCTGCCAGTGCCCGCTGCAGCTC-3'
Protein context (NP_002283.3, residues 1472-1492): SILSRVAETR[Arg1482Trp]QASEAQQRAQ